The following is an entry in ClinVar:

ClinVar aggregate classification (germline): Benign. Review status: criteria provided, multiple submitters, no conflicts (2 of 4 stars). 2 submissions from 2 submitters: Benign (2). Last evaluated 2026-06-02.

Submissions (2):

Women's Health and Genetics/Laboratory Corporation of America, LabCorp
Classification: Benign. Last evaluated: 2026-06-02. Review status: criteria provided, single submitter. Criteria: LabCorp Variant Classification Summary - May 2015. Collection method: clinical testing. Allele origin: germline.
Comment: Variant summary: SBF1 c.141+10_141+12delGGG alters a nucleotide located at a position not widely known to affect splicing. Consensus agreement among computation tools predict no significant impact on normal splicing. However, these predictions have yet to be confirmed by functional studies. The variant allele was found at a frequency of 0.00037 in 244430 control chromosomes, predominantly at a frequency of 0.005 within the African or African-American subpopulation in the gnomAD database. The observed variant frequency within African or African-American control individuals in the gnomAD database exceeds the estimated maximal expected allele frequency for disease-causing variants in SBF1. To our knowledge, no occurrence of c.141+10_141+12delGGG in individuals affected with SBF1-related conditions and no experimental evidence demonstrating its impact on protein function have been reported. ClinVar contains an entry for this variant (Variation ID: 787149). Based on the evidence outlined above, the variant was classified as benign.

Labcorp Genetics (formerly Invitae), Labcorp
Classification: Benign. Last evaluated: 2026-01-06. Review status: criteria provided, single submitter. Criteria: Invitae Variant Classification Sherloc (09022015). Collection method: clinical testing. Allele origin: germline.

NM_002972.4(SBF1):c.141+10_141+12del

Gene: SBF1 (SET binding factor 1; minus strand). Cytogenetic location: 22q13.33.
Variant type: Deletion.
Coding change: c.141+10_141+12del on transcript NM_002972.4 (MANE Select); bases 10 to 12 of the intron after coding-DNA position 141, 3 bases deleted (GGG; older notation c.141+10_141+12delGGG).
Molecular consequence: intron variant.
Genome position (GRCh38, 1-based): chr22:50,468,364-50,468,366, CCC deleted on the plus strand (GGG on the coding strand, the reverse complement: SBF1 is on the minus strand); deleting any 3 consecutive bases within chr22:50,468,364-50,468,368 gives the same sequence; the c. name uses the placement nearest the transcript's 3' end. VCF-style (leftmost placement, unchanged base first): chr22-50468363-GCCC-G. GRCh37 (hg19) VCF-style: chr22-50906792-GCCC-G.
Other names: c.141+10_141+12delGGG (NM_002972.4); c.141+10_141+12del (NM_001365819.1, NM_002972.3).
Identifiers: ClinVar variation 787149 (VCV000787149.10), dbSNP rs552527272, ClinGen allele CA10318224.